The following is an entry in ClinVar:

ClinVar aggregate classification (germline): Conflicting classifications of pathogenicity. Review status: criteria provided, conflicting classifications (1 of 4 stars). 10 submissions from 10 submitters: Uncertain significance (4); Likely benign (4). 2 of the submissions do not count toward it. Last evaluated 2026-01-07.

Conditions:
Charcot-Marie-Tooth disease. Also called: Charcot-Marie-Tooth Hereditary Neuropathy; Charcot-Marie-Tooth Neuropathy. Identifiers: Orphanet 166, MedGen C0007959, MONDO:0015626.
MARS1-related disorder. Also called: MARS1-related condition.
Charcot-Marie-Tooth disease axonal type 2U. Also called: CHARCOT-MARIE-TOOTH NEUROPATHY, TYPE 2U; CHARCOT-MARIE-TOOTH DISEASE, AXONAL, AUTOSOMAL DOMINANT, TYPE 2U. Identifiers: Orphanet 397735, MedGen C4084821, MONDO:0014566, OMIM 616280.
Severe early-onset pulmonary alveolar proteinosis due to MARS deficiency. Also called: PULMONARY ALVEOLAR PROTEINOSIS, REUNION ISLAND; Interstitial lung and liver disease. Identifiers: Orphanet 440427, MedGen C4225400, MONDO:0014206, OMIM 615486.

Allele frequency attached by ClinVar (database versions not stated): gnomAD 0.00063 and 0.00062; TOPMed 0.00063; gnomAD exomes 0.00072 and 0.00087; ExAC 0.00080; ESP Exome Variant Server 0.00100; 1000 Genomes Project 0.00040; 1000 Genomes Project 30x 0.00047.
gnomAD v4.1: 1,336 of 1,612,692 alleles (0.083%); highest among the groups gnomAD compares: Non-Finnish European, 0.11%; no homozygotes.

Submissions (10):

Labcorp Genetics (formerly Invitae), Labcorp
Classification: Uncertain significance for Charcot-Marie-Tooth disease axonal type 2U; Severe early-onset pulmonary alveolar proteinosis due to MARS deficiency. Last evaluated: 2026-01-07. Review status: criteria provided, single submitter. Criteria: Invitae Variant Classification Sherloc (09022015). Collection method: clinical testing. Allele origin: germline.
Comment: This sequence change replaces proline, which is neutral and non-polar, with leucine, which is neutral and non-polar, at codon 206 of the MARS protein (p.Pro206Leu). This variant is present in population databases (rs138776588, gnomAD 0.1%), and has an allele count higher than expected for a pathogenic variant. This missense change has been observed in individual(s) with clinical features of Charcot-Marie-Tooth disease and/or ventricular arrhythmia (PMID: 25913036; internal data). ClinVar contains an entry for this variant (Variation ID: 542171). An algorithm developed to predict the effect of missense changes on protein structure and function outputs the following: PolyPhen-2: "Benign". The leucine amino acid residue is found in multiple mammalian species, which suggests that this missense change does not adversely affect protein function. In summary, the available evidence is currently insufficient to determine the role of this variant in disease. Therefore, it has been classified as a Variant of Uncertain Significance.

PreventionGenetics, part of Exact Sciences
Classification: Likely benign for MARS1-related condition. Last evaluated: 2025-11-11. Review status: criteria provided, single submitter. Criteria: ACMG Guidelines, 2015. Collection method: clinical testing. Allele origin: germline.
Comment: This variant is classified as likely benign based on ACMG/AMP sequence variant interpretation guidelines (Richards et al. 2015 PMID: 25741868, with internal and published modifications).

Women's Health and Genetics/Laboratory Corporation of America, LabCorp
Classification: Uncertain significance. Last evaluated: 2025-11-05. Review status: criteria provided, single submitter. Criteria: LabCorp Variant Classification Summary - May 2015. Collection method: clinical testing. Allele origin: germline.
Comment: Variant summary: MARS1 c.617C>T (p.Pro206Leu) results in a non-conservative amino acid change in the encoded protein sequence. Algorithms developed to predict the effect of missense changes on protein structure and function are either unavailable or do not agree on the potential impact of this missense change. The variant allele was found at a frequency of 0.00083 in 1612692 control chromosomes. This frequency is not significantly higher than estimated for disease-causing variants in MARS1, allowing no conclusion about variant significance. c.617C>T has been observed in an individual with ventricular arrhythmia, without strong evidence of causality (example: Hadchouel_2015). This report does not provide unequivocal conclusions about association of the variant with Severe early-onset pulmonary alveolar proteinosis due to MARS deficiency. To our knowledge, no experimental evidence demonstrating an impact on protein function has been reported. The following publication has been ascertained in the context of this evaluation (PMID: 25913036). ClinVar contains an entry for this variant (Variation ID: 542171). Based on the evidence outlined above, the variant was classified as uncertain significance.

Mayo Clinic Laboratories, Mayo Clinic
Classification: Likely benign. Last evaluated: 2024-09-17. Review status: criteria provided, single submitter. Criteria: ACMG Guidelines, 2015. Collection method: clinical testing. Allele origin: germline. Observed: 3 variant alleles.
Comment: BS1, BP4

Blueprint Genetics
Classification: Uncertain significance. Last evaluated: 2024-09-10. Review status: criteria provided, single submitter. Criteria: ACMG Guidelines, 2015. Collection method: clinical testing. Allele origin: germline.

Ambry Genetics
Classification: Likely benign. Last evaluated: 2019-10-01. Review status: criteria provided, single submitter. Criteria: Ambry Variant Classification Scheme 2023. Collection method: clinical testing. Allele origin: germline.

Fulgent Genetics
Classification: Uncertain significance for Severe early-onset pulmonary alveolar proteinosis due to MARS deficiency; Charcot-Marie-Tooth disease axonal type 2U. Last evaluated: 2018-10-31. Review status: criteria provided, single submitter. Criteria: ACMG Guidelines, 2015. Collection method: clinical testing. Allele origin: unknown.

Molecular Genetics Laboratory, London Health Sciences Centre
Classification: Likely benign for Charcot-Marie-Tooth disease. Review status: criteria provided, single submitter. Criteria: ACMG Guidelines, 2015. Collection method: clinical testing. Allele origin: germline. Affected: yes.

Clinical Genetics DNA and cytogenetics Diagnostics Lab, Erasmus MC, Erasmus Medical Center
Classification: Likely benign. Review status: no assertion criteria provided. Collection method: clinical testing. Allele origin: germline. Affected: yes. Study: VKGL Data-share Consensus. Not counted in ClinVar's aggregate classification.

Clinical Genetics, Academic Medical Center
Classification: Likely benign. Review status: no assertion criteria provided. Collection method: clinical testing. Allele origin: germline. Affected: yes. Study: VKGL Data-share Consensus. Not counted in ClinVar's aggregate classification.

Literature cited by the submitters: PubMed 25913036 (cited by Labcorp Genetics (formerly Invitae), Labcorp and Women's Health and Genetics/Laboratory Corporation of America, LabCorp).

NM_004990.4(MARS1):c.617C>T (p.Pro206Leu)

Gene: MARS1 (methionyl-tRNA synthetase 1; plus strand). Cytogenetic location: 12q13.3.
Variant type: single nucleotide variant.
Coding change: c.617C>T on transcript NM_004990.4 (MANE Select); coding-DNA position 617, C replaced by T.
Protein change: p.Pro206Leu; replaces proline 206 with leucine.
Molecular consequence: missense variant.
Genome position (GRCh38, 1-based): chr12:57,490,333, C>T. VCF-style: chr12-57490333-C-T. GRCh37 (hg19) VCF-style: chr12-57884116-C-T.
Other names: p.Pro206Leu; short protein forms P206L.
Identifiers: ClinVar variation 542171 (VCV000542171.19), dbSNP rs138776588, ClinGen allele CA6650223.